The following is an entry in ClinVar:

NM_000051.4(ATM):c.5840C>T (p.Ser1947Phe)

Genes: ATM (ATM serine/threonine kinase; plus strand), C11orf65 (chromosome 11 open reading frame 65; minus strand). Cytogenetic location: 11q22.3.
Variant type: single nucleotide variant.
Coding change: c.5840C>T on transcript NM_000051.4 (MANE Select); coding-DNA position 5840, C replaced by T.
Protein change: p.Ser1947Phe; replaces serine 1947 with phenylalanine.
Molecular consequence: missense variant. On other transcripts: intron variant (2).
Genome position (GRCh38, 1-based): chr11:108,310,237, C>T. VCF-style: chr11-108310237-C-T. GRCh37 (hg19) VCF-style: chr11-108180964-C-T.
Other names: c.5840C>T, p.Ser1947Phe (NM_001351834.2); c.641-1166G>A (NM_001330368.2); c.*39-1166G>A (NM_001351110.2); short protein forms S1947F.
Identifiers: ClinVar variation 1750020 (VCV001750020.7), dbSNP rs1555110399, ClinGen allele CA382548438.

ClinVar aggregate classification (germline): Uncertain significance. Review status: criteria provided, multiple submitters, no conflicts (2 of 4 stars). 2 submissions from 2 submitters: Uncertain significance (2). Last evaluated 2022-06-09.

Conditions:
Ataxia-telangiectasia syndrome (AT). Also called: Ataxia telangiectasia (A-T); LOUIS-BAR SYNDROME; Cerebello-oculocutaneous telangiectasia; Immunodeficiency with ataxia telangiectasia; Ataxia-telangiectasia, complementation group D; AT, COMPLEMENTATION GROUP C. Identifiers: Orphanet 100, MedGen C0004135, MONDO:0008840, OMIM 208900.
Hereditary cancer-predisposing syndrome. Also called: Hereditary neoplastic syndrome; Neoplastic Syndromes, Hereditary; Tumor predisposition; Hereditary Cancer Syndrome. Identifiers: Orphanet 140162, MedGen C0027672, MeSH D009386, MONDO:0015356.

Submissions (2):

Labcorp Genetics (formerly Invitae), Labcorp
Classification: Uncertain significance for Ataxia-telangiectasia syndrome. Last evaluated: 2022-06-09. Review status: criteria provided, single submitter. Criteria: Invitae Variant Classification Sherloc (09022015). Collection method: clinical testing. Allele origin: germline.
Comment: In summary, the available evidence is currently insufficient to determine the role of this variant in disease. Therefore, it has been classified as a Variant of Uncertain Significance. Advanced modeling of protein sequence and biophysical properties (such as structural, functional, and spatial information, amino acid conservation, physicochemical variation, residue mobility, and thermodynamic stability) performed at Invitae indicates that this missense variant is not expected to disrupt ATM protein function. This variant has not been reported in the literature in individuals affected with ATM-related conditions. This variant is not present in population databases (gnomAD no frequency). This sequence change replaces serine, which is neutral and polar, with phenylalanine, which is neutral and non-polar, at codon 1947 of the ATM protein (p.Ser1947Phe).

Ambry Genetics
Classification: Uncertain significance for Hereditary cancer-predisposing syndrome. Last evaluated: 2020-12-10. Review status: criteria provided, single submitter. Criteria: Ambry Variant Classification Scheme 2023. Collection method: clinical testing. Allele origin: germline.
Comment: The p.S1947F variant (also known as c.5840C>T), located in coding exon 38 of the ATM gene, results from a C to T substitution at nucleotide position 5840. The serine at codon 1947 is replaced by phenylalanine, an amino acid with highly dissimilar properties. This amino acid position is well conserved in available vertebrate species. In addition, this alteration is predicted to be deleterious by in silico analysis. Since supporting evidence is limited at this time, the clinical significance of this alteration remains unclear.